The following is an entry in ClinVar:

ClinVar aggregate classification (germline): Uncertain significance (1 of 4 stars; one submission).

Allele frequency attached by ClinVar (database versions not stated): TOPMed below 0.00001.
gnomAD v4.1: 1 of 1,578,204 alleles (0.000063%); highest among the groups gnomAD compares: Non-Finnish European, 0.000086%; no homozygotes.

Submission:

Labcorp Genetics (formerly Invitae), Labcorp
Classification: Uncertain significance. Last evaluated: 2024-02-16. Review status: criteria provided, single submitter. Criteria: Invitae Variant Classification Sherloc (09022015). Collection method: clinical testing. Allele origin: germline.
Comment: This sequence change replaces isoleucine, which is neutral and non-polar, with valine, which is neutral and non-polar, at codon 366 of the TGFB1 protein (p.Ile366Val). This variant is not present in population databases (gnomAD no frequency). This variant has not been reported in the literature in individuals affected with TGFB1-related conditions. ClinVar contains an entry for this variant (Variation ID: 1716002). Advanced modeling of protein sequence and biophysical properties (such as structural, functional, and spatial information, amino acid conservation, physicochemical variation, residue mobility, and thermodynamic stability) performed at Invitae indicates that this missense variant is not expected to disrupt TGFB1 protein function with a negative predictive value of 80%. In summary, the available evidence is currently insufficient to determine the role of this variant in disease. Therefore, it has been classified as a Variant of Uncertain Significance.

NM_000660.7(TGFB1):c.1096A>G (p.Ile366Val)

Gene: TGFB1 (transforming growth factor beta 1; minus strand). Cytogenetic location: 19q13.2.
Variant type: single nucleotide variant.
Coding change: c.1096A>G on transcript NM_000660.7 (MANE Select); coding-DNA position 1096, A replaced by G.
Protein change: p.Ile366Val; replaces isoleucine 366 with valine.
Molecular consequence: missense variant.
Genome position (GRCh38, 1-based): chr19:41,331,129, T>C on the plus strand (A>G on the coding strand, the complement: TGFB1 is on the minus strand). VCF-style: chr19-41331129-T-C. GRCh37 (hg19) VCF-style: chr19-41837034-T-C.
Other names: short protein forms I366V.
Identifiers: ClinVar variation 1716002 (VCV001716002.5), dbSNP rs866738660, ClinGen allele CA308561798.